The following is an entry in ClinVar:

ClinVar aggregate classification (germline): Likely pathogenic. Review status: criteria provided, multiple submitters, no conflicts (2 of 4 stars). 2 submissions from 2 submitters: Likely pathogenic (2). Last evaluated 2024-02-07.

Conditions:
Achondrogenesis type II (ACG2). Also called: ACHONDROGENESIS, LANGER-SALDINO TYPE; CHONDROGENESIS IMPERFECTA. Identifiers: Orphanet 932, Orphanet 93296, MedGen C0220685, MONDO:0008702, OMIM 200610.

Submissions (2):

Labcorp Genetics (formerly Invitae), Labcorp
Classification: Likely pathogenic. Last evaluated: 2024-02-07. Review status: criteria provided, single submitter. Criteria: Invitae Variant Classification Sherloc (09022015). Collection method: clinical testing. Allele origin: germline.
Comment: This sequence change replaces glycine, which is neutral and non-polar, with alanine, which is neutral and non-polar, at codon 1053 of the COL2A1 protein (p.Gly1053Ala). This variant is not present in population databases (gnomAD no frequency). This variant has not been reported in the literature in individuals affected with COL2A1-related conditions. Advanced modeling of protein sequence and biophysical properties (such as structural, functional, and spatial information, amino acid conservation, physicochemical variation, residue mobility, and thermodynamic stability) performed at Invitae indicates that this missense variant is expected to disrupt COL2A1 protein function with a positive predictive value of 95%. This variant disrupts the triple helix domain of COL2A1. Glycine residues within the Gly-Xaa-Yaa repeats of the triple helix domain are required for the structure and stability of fibrillar collagens (PMID: 7695699, 8218237, 19344236). In COL2A1, variants affecting these glycine residues are significantly enriched in individuals with disease (PMID: 9016532, 17078022) compared to the general population (ExAC). This variant disrupts the p.Gly1053 amino acid residue in COL2A1. Other variant(s) that disrupt this residue have been observed in individuals with COL2A1-related conditions (PMID: 1429602, 22791362, 33942288), which suggests that this may be a clinically significant amino acid residue. In summary, the currently available evidence indicates that the variant is pathogenic, but additional data are needed to prove that conclusively. Therefore, this variant has been classified as Likely Pathogenic.

MVZ Medizinische Genetik Mainz
Classification: Likely pathogenic for Achondrogenesis type II. Last evaluated: 2023-01-11. Review status: criteria provided, single submitter. Criteria: UK Practice Guidelines For Variant Classification V4 01 2020. Collection method: clinical testing. Allele origin: germline. Inheritance: Autosomal dominant inheritance. Affected: yes. Observed: 1 variant allele.
Comment: ACMG Criteria: PM1,PM5,PM2_SUP,PP3

Literature cited by the submitters: PubMed 7695699 (cited by Labcorp Genetics (formerly Invitae), Labcorp); PubMed 8218237 (cited by Labcorp Genetics (formerly Invitae), Labcorp); PubMed 19344236 (cited by Labcorp Genetics (formerly Invitae), Labcorp); PubMed 9016532 (cited by Labcorp Genetics (formerly Invitae), Labcorp); PubMed 17078022 (cited by Labcorp Genetics (formerly Invitae), Labcorp); PubMed 1429602 (cited by Labcorp Genetics (formerly Invitae), Labcorp); PubMed 22791362 (cited by Labcorp Genetics (formerly Invitae), Labcorp); PubMed 33942288 (cited by Labcorp Genetics (formerly Invitae), Labcorp).

NM_001844.5(COL2A1):c.3158G>C (p.Gly1053Ala)

Gene: COL2A1 (collagen type II alpha 1 chain; minus strand). Cytogenetic location: 12q13.11.
Variant type: single nucleotide variant.
Coding change: c.3158G>C on transcript NM_001844.5 (MANE Select); coding-DNA position 3158, G replaced by C.
Protein change: p.Gly1053Ala; replaces glycine 1053 with alanine.
Molecular consequence: missense variant.
Genome position (GRCh38, 1-based): chr12:47,977,607, C>G on the plus strand (G>C on the coding strand, the complement: COL2A1 is on the minus strand). VCF-style: chr12-47977607-C-G. GRCh37 (hg19) VCF-style: chr12-48371390-C-G.
Other names: c.2951G>C, p.Gly984Ala (NM_033150.3); short protein forms G1053A, G984A.
Identifiers: ClinVar variation 3235993 (VCV003235993.3), dbSNP rs121912868, ClinGen allele CA384540507.